The following is an entry in ClinVar:

NM_058216.3(RAD51C):c.970G>A (p.Ala324Thr)

Gene: RAD51C (RAD51 paralog C; plus strand). Cytogenetic location: 17q22.
Variant type: single nucleotide variant.
Coding change: c.970G>A on transcript NM_058216.3 (MANE Select); coding-DNA position 970, G replaced by A.
Protein change: p.Ala324Thr; replaces alanine 324 with threonine.
Molecular consequence: missense variant. On other transcripts: non-coding transcript variant (1).
Genome position (GRCh38, 1-based): chr17:58,732,488, G>A. VCF-style: chr17-58732488-G-A. GRCh37 (hg19) VCF-style: chr17-56809849-G-A.
Other names: c.970G>A (NM_058216.1); short protein forms A324T.
Identifiers: ClinVar variation 490134 (VCV000490134.23), dbSNP rs777575172, ClinGen allele CA8677381.

ClinVar aggregate classification (germline): Uncertain significance. Review status: criteria provided, multiple submitters, no conflicts (2 of 4 stars). 6 submissions from 6 submitters: Uncertain significance (6). Last evaluated 2026-01-28.

Conditions:
Fanconi anemia complementation group O. Also called: RAD51C-Related Fanconi Anemia. Identifiers: Orphanet 84, MedGen C3150653, MONDO:0013248, OMIM 613390.
Breast-ovarian cancer, familial, susceptibility to, 3. Also called: RAD51C-Related Breast/Ovarian Cancer. Identifiers: Orphanet 145, MedGen C3150659, MONDO:0013253, OMIM 613399.
Hereditary cancer-predisposing syndrome. Also called: Tumor predisposition; Neoplastic Syndromes, Hereditary; Hereditary Cancer Syndrome; Hereditary neoplastic syndrome. Identifiers: Orphanet 140162, MedGen C0027672, MeSH D009386, MONDO:0015356.

Allele frequency attached by ClinVar (database versions not stated): ExAC 0.00001; gnomAD exomes 0.00001 and 0.00003.

Submissions (6):

Labcorp Genetics (formerly Invitae), Labcorp
Classification: Uncertain significance for Fanconi anemia complementation group O. Last evaluated: 2026-01-28. Review status: criteria provided, single submitter. Criteria: Invitae Variant Classification Sherloc (09022015). Collection method: clinical testing. Allele origin: germline.
Comment: This sequence change replaces alanine, which is neutral and non-polar, with threonine, which is neutral and polar, at codon 324 of the RAD51C protein (p.Ala324Thr). This variant is present in population databases (rs777575172, gnomAD 0.03%). This variant has not been reported in the literature in individuals affected with RAD51C-related conditions. ClinVar contains an entry for this variant (Variation ID: 490134). Invitae Evidence Modeling of protein sequence and biophysical properties (such as structural, functional, and spatial information, amino acid conservation, physicochemical variation, residue mobility, and thermodynamic stability) indicates that this missense variant is expected to disrupt RAD51C protein function with a positive predictive value of 80%. Experimental studies have shown that this missense change affects RAD51C function (PMID: 36099300). In summary, the available evidence is currently insufficient to determine the role of this variant in disease. Therefore, it has been classified as a Variant of Uncertain Significance.

Ambry Genetics
Classification: Uncertain significance for Hereditary cancer-predisposing syndrome. Last evaluated: 2024-06-26. Review status: criteria provided, single submitter. Criteria: Ambry Variant Classification Scheme 2023. Collection method: clinical testing. Allele origin: germline.
Comment: The p.A324T variant (also known as c.970G>A), located in coding exon 8 of the RAD51C gene, results from a G to A substitution at nucleotide position 970. The alanine at codon 324 is replaced by threonine, an amino acid with similar properties. This amino acid position is highly conserved in available vertebrate species. In addition, the in silico prediction for this alteration is inconclusive. Based on the available evidence, the clinical significance of this variant remains unclear.

Fulgent Genetics
Classification: Uncertain significance for Fanconi anemia complementation group O; Breast-ovarian cancer, familial, susceptibility to, 3. Last evaluated: 2024-04-22. Review status: criteria provided, single submitter. Criteria: ACMG Guidelines, 2015. Collection method: clinical testing. Allele origin: germline.

Baylor Genetics
Classification: Uncertain significance for Breast-ovarian cancer, familial, susceptibility to, 3. Last evaluated: 2024-03-27. Review status: criteria provided, single submitter. Criteria: ACMG Guidelines, 2015. Collection method: clinical testing. Allele origin: unknown.

Color Diagnostics, LLC DBA Color Health
Classification: Uncertain significance for Hereditary cancer-predisposing syndrome. Last evaluated: 2022-03-02. Review status: criteria provided, single submitter. Criteria: ACMG Guidelines, 2015. Collection method: clinical testing. Allele origin: germline.
Comment: This missense variant replaces alanine with threonine at codon 324 of the RAD51C protein. Computational prediction is inconclusive regarding the impact of this variant on protein structure and function (internally defined REVEL score threshold 0.5 < inconclusive < 0.7, PMID: 27666373). To our knowledge, functional studies have not been reported for this variant. This variant has been reported in a breast cancer case-control meta-analysis in 0/60466 cases and 2/53459 unaffected individuals and in a pancreatic cancer case-control study in 0/1005 cases and 3/23705 unaffected individuals (PMID: 32980694, 33471991; Leiden Open Variation Database DB-ID RAD51C_000213). This variant has been identified in 8/251366 chromosomes in the general population by the Genome Aggregation Database (gnomAD). The available evidence is insufficient to determine the role of this variant in disease conclusively. Therefore, this variant is classified as a Variant of Uncertain Significance.

Department of Pathology and Laboratory Medicine, Sinai Health System
Classification: Uncertain significance for Breast-ovarian cancer, familial, susceptibility to, 3. Last evaluated: 2021-10-04. Review status: criteria provided, single submitter. Criteria: ACMG Guidelines, 2015. Collection method: clinical testing. Allele origin: germline. Affected: yes.

Literature cited by the submitters: PubMed 36099300 (cited by Labcorp Genetics (formerly Invitae), Labcorp); PubMed 32980694 (cited by Color Diagnostics, LLC DBA Color Health); PubMed 33471991 (cited by Color Diagnostics, LLC DBA Color Health).